The following is an entry in ClinVar:

ClinVar aggregate classification (germline): Benign/Likely benign. Review status: criteria provided, multiple submitters, no conflicts (2 of 4 stars). 4 submissions from 4 submitters: Benign (1); Likely benign (2). 1 of the submissions does not count toward it. Last evaluated 2026-01-03.

Conditions:
Inborn genetic diseases. Identifiers: MedGen C0950123, MeSH D030342.
MCPH1-related disorder. Also called: MCPH1-related condition.

Allele frequency attached by ClinVar (database versions not stated): gnomAD exomes 0.00012 and 0.00035; TOPMed 0.00015; ExAC 0.00024; gnomAD 0.00005 and 0.00006.
gnomAD v4.1: 181 of 1,614,008 alleles (0.011%); highest among the groups gnomAD compares: Admixed American, 0.16%; 1 homozygote.

Submissions (5):

Labcorp Genetics (formerly Invitae), Labcorp
Classification: Benign. Last evaluated: 2026-01-03. Review status: criteria provided, single submitter. Criteria: Invitae Variant Classification Sherloc (09022015). Collection method: clinical testing. Allele origin: germline.

Ambry Genetics
Classification: Likely benign for Inborn genetic diseases. Last evaluated: 2022-10-26. Review status: criteria provided, single submitter. Criteria: Ambry Variant Classification Scheme 2023. Collection method: clinical testing. Allele origin: germline.

GeneDx
Classification: Likely benign. Last evaluated: 2019-01-17. Review status: criteria provided, single submitter. Criteria: GeneDx Variant Classification Process June 2021. Collection method: clinical testing. Allele origin: germline. Affected: yes.

PreventionGenetics, part of Exact Sciences
Classification: Likely benign for MCPH1-related condition. Last evaluated: 2023-08-18. Review status: no assertion criteria provided. Collection method: clinical testing. Allele origin: germline. Not counted in ClinVar's aggregate classification.
Comment: This variant is classified as likely benign based on ACMG/AMP sequence variant interpretation guidelines (Richards et al. 2015 PMID: 25741868, with internal and published modifications).

Dr. Peter K. Rogan Lab, Western University
No classification provided (evidence only). Condition: Squamous cell carcinoma of the head and neck. Review status: no classification provided. Collection method: in vitro. Allele origin: not applicable. Functional consequence: retained intron. Not counted in ClinVar's aggregate classification.

NM_024596.5(MCPH1):c.671A>G (p.Asp224Gly)

Gene: MCPH1 (microcephalin 1; plus strand). Cytogenetic location: 8p23.1.
Variant type: single nucleotide variant.
Coding change: c.671A>G on transcript NM_024596.5 (MANE Select); coding-DNA position 671, A replaced by G.
Protein change: p.Asp224Gly; replaces aspartic acid 224 with glycine.
Molecular consequence: missense variant. On other transcripts: non-coding transcript variant (1).
Genome position (GRCh38, 1-based): chr8:6,444,393, A>G. VCF-style: chr8-6444393-A-G. GRCh37 (hg19) VCF-style: chr8-6301914-A-G.
Other names: c.671A>G, p.Asp224Gly (NM_001172574.2, NM_001322042.2, NM_001363979.1 and 1 more transcripts); c.527A>G, p.Asp176Gly (NM_001172575.2); c.665A>G, p.Asp222Gly (NM_001322043.2); c.569A>G, p.Asp190Gly (NM_001322045.2); c.671A>G (NM_001322042.1); short protein forms D176G, D190G, D222G, D224G.
Identifiers: ClinVar variation 1189611 (VCV001189611.14), dbSNP rs770989341, ClinGen allele CA4610357.